The following is an entry in ClinVar:

NM_018489.3(ASH1L):c.3828del (p.Gln1278fs)

Gene: ASH1L (ASH1 like histone lysine methyltransferase; minus strand). Cytogenetic location: 1q22.
Variant type: Deletion.
Coding change: c.3828del on transcript NM_018489.3 (MANE Select); coding-DNA position 3828, one base deleted (T; older notation c.3828delT).
Protein change: p.Gln1278fs; shifts the reading frame from glutamine 1278.
Molecular consequence: frameshift variant.
Genome position (GRCh38, 1-based): chr1:155,479,042, A deleted on the plus strand (T on the coding strand, the reverse complement: ASH1L is on the minus strand). VCF-style (leftmost placement, unchanged base first): chr1-155479041-GA-G. GRCh37 (hg19) VCF-style: chr1-155448832-GA-G.
Other names: c.3828del, p.Gln1278fs (NM_001366177.2); short protein forms Q1278fs.
Identifiers: ClinVar variation 4279022 (VCV004279022.1).

ClinVar aggregate classification (germline): Pathogenic (1 of 4 stars; one submission).

Conditions:
Intellectual developmental disorder, autosomal dominant 52. Also called: Intellectual disability, autosomal dominant 52; Mental retardation, autosomal dominant 52. Identifiers: MedGen C4540478, MONDO:0030918, OMIM 617796.

Submission:

Institute of Human Genetics, University of Leipzig Medical Center
Classification: Pathogenic for Intellectual developmental disorder, autosomal dominant 52. Last evaluated: 2025-08-12. Review status: criteria provided, single submitter. Criteria: ACMG Guidelines, 2015. Collection method: clinical testing. Allele origin: unknown. Inheritance: Autosomal dominant inheritance. Affected: yes.
Comment: Criteria applied: PVS1,PM2